The following is an entry in ClinVar:

NM_176787.5(PIGN):c.1396C>T (p.His466Tyr)

Gene: PIGN (phosphatidylinositol glycan anchor biosynthesis class N; minus strand). Cytogenetic location: 18q21.33.
Variant type: single nucleotide variant.
Coding change: c.1396C>T on transcript NM_176787.5 (MANE Select); coding-DNA position 1396, C replaced by T.
Protein change: p.His466Tyr; replaces histidine 466 with tyrosine.
Molecular consequence: missense variant.
Genome position (GRCh38, 1-based): chr18:62,113,172, G>A on the plus strand (C>T on the coding strand, the complement: PIGN is on the minus strand). VCF-style: chr18-62113172-G-A. GRCh37 (hg19) VCF-style: chr18-59780405-G-A.
Other names: c.1396C>T, p.His466Tyr (NM_012327.6); short protein forms H466Y.
Identifiers: ClinVar variation 734487 (VCV000734487.14), dbSNP rs149709766, ClinGen allele CA8982312.
Genomic context (GRCh38, chr18:62,113,172, plus strand): 5'-TCCTCACATTTTCTAAACGTACCTTCACTTCTTTACTAACACCTTTTATAAGGTTGGAAT[G>A]AGACTTGATGATCAACAAAGAGGCATAAGATATCCATCCCACAAAACCAATAACAACATT-3'
Protein context (NP_789744.1, residues 456-476): SYASLLIIKS[His466Tyr]SNLIKGVSKE

ClinVar aggregate classification (germline): Conflicting classifications of pathogenicity. Review status: criteria provided, conflicting classifications (1 of 4 stars). 2 submissions from 2 submitters: Uncertain significance (1); Likely benign (1). Last evaluated 2026-01-01.

Conditions:
Multiple congenital anomalies-hypotonia-seizures syndrome 1 (MCAHS1). Also called: PIGN-CDG; Congenital disorder of glycosylation due to PIGN deficiency; GLYCOSYLPHOSPHATIDYLINOSITOL BIOSYNTHESIS DEFECT 3. Identifiers: Orphanet 280633, MedGen C3279775, MONDO:0013563, OMIM 614080.

Allele frequency attached by ClinVar (database versions not stated): gnomAD exomes 0.00004 and 0.00026; gnomAD 0.00006 and 0.00010; TOPMed 0.00009; ExAC 0.00034; 1000 Genomes Project 30x 0.00078; 1000 Genomes Project 0.00100.
gnomAD v4.1: 76 of 1,612,006 alleles (0.0047%); highest among the groups gnomAD compares: East Asian, 0.16%; no homozygotes.

Submissions (2):

Labcorp Genetics (formerly Invitae), Labcorp
Classification: Likely benign for Multiple congenital anomalies-hypotonia-seizures syndrome 1. Last evaluated: 2026-01-01. Review status: criteria provided, single submitter. Criteria: Invitae Variant Classification Sherloc (09022015). Collection method: clinical testing. Allele origin: germline.

GeneDx
Classification: Uncertain significance. Last evaluated: 2025-12-11. Review status: criteria provided, single submitter. Criteria: GeneDx Variant Classification Process June 2021. Collection method: clinical testing. Allele origin: germline. Affected: yes.
Comment: In silico analysis supports that this missense variant has a deleterious effect on protein structure/function; Has not been previously published as pathogenic or benign to our knowledge